The following is an entry in ClinVar:

ClinVar aggregate classification (germline): Uncertain significance (1 of 4 stars; one submission).

Conditions:
Hereditary cancer-predisposing syndrome. Also called: Neoplastic Syndromes, Hereditary; Tumor predisposition; Hereditary Cancer Syndrome; Hereditary neoplastic syndrome. Identifiers: Orphanet 140162, MedGen C0027672, MeSH D009386, MONDO:0015356.

Submission:

Ambry Genetics
Classification: Uncertain significance for Hereditary cancer-predisposing syndrome. Last evaluated: 2025-11-17. Review status: criteria provided, single submitter. Criteria: Ambry Variant Classification Scheme 2023. Collection method: clinical testing. Allele origin: germline.
Comment: The p.A689E variant (also known as c.2066C>A), located in coding exon 15 of the APC gene, results from a C to A substitution at nucleotide position 2066. The alanine at codon 689 is replaced by glutamic acid, an amino acid with dissimilar properties. This amino acid position is conserved. In addition, in silico predictors for this gene do not accurately predict pathogenicity. Based on the available evidence, the clinical significance of this variant remains unclear.

NM_000038.6(APC):c.2066C>A (p.Ala689Glu)

Gene: APC (APC regulator of Wnt signaling pathway; plus strand). Cytogenetic location: 5q22.2.
Variant type: single nucleotide variant.
Coding change: c.2066C>A on transcript NM_000038.6 (MANE Select); coding-DNA position 2066, C replaced by A.
Protein change: p.Ala689Glu; replaces alanine 689 with glutamic acid.
Molecular consequence: missense variant. On other transcripts: non-coding transcript variant (2).
Genome position (GRCh38, 1-based): chr5:112,837,660, C>A. VCF-style: chr5-112837660-C-A. GRCh37 (hg19) VCF-style: chr5-112173357-C-A.
Other names: c.2066C>A, p.Ala689Glu (NM_001127510.3, NM_001354895.2, NM_001407450.1); c.2012C>A, p.Ala671Glu (NM_001127511.3); c.2120C>A, p.Ala707Glu (NM_001354896.2, NM_001407447.1, NM_001407448.1 and 1 more transcripts); c.2096C>A, p.Ala699Glu (NM_001354897.2); c.1991C>A, p.Ala664Glu (NM_001354898.2); c.1982C>A, p.Ala661Glu (NM_001354899.2); c.1943C>A, p.Ala648Glu (NM_001354900.2); c.1889C>A, p.Ala630Glu (NM_001354901.2, NM_001407453.1); and 11 more; short protein forms A560E, A588E, A606E, A664E, A679E, A682E, A707E, A305E.
Identifiers: ClinVar variation 4590875 (VCV004590875.1).
Genomic context (GRCh38, chr5:112,837,660, plus strand): 5'-TAAAATCTCATAGTTTGACAATAGTCAGTAATGCATGTGGAACTTTGTGGAATCTCTCAG[C>A]AAGAAATCCTAAAGACCAGGAAGCATTATGGGACATGGGGGCAGTTAGCATGCTCAAGAA-3'
Protein context (NP_000029.2, residues 679-699): NACGTLWNLS[Ala689Glu]RNPKDQEALW